The following is an entry in ClinVar:

NM_172107.4(KCNQ2):c.-15C>A

Gene: KCNQ2 (potassium voltage-gated channel subfamily Q member 2; minus strand). Cytogenetic location: 20q13.33.
Variant type: single nucleotide variant.
Coding change: c.-15C>A on transcript NM_172107.4 (MANE Select); 15 bases upstream of the start codon, C replaced by A.
Molecular consequence: 5 prime UTR variant.
Genome position (GRCh38, 1-based): chr20:63,472,478, G>T on the plus strand (C>A on the coding strand, the complement: KCNQ2 is on the minus strand). VCF-style: chr20-63472478-G-T. GRCh37 (hg19) VCF-style: chr20-62103831-G-T.
Other names: c.-15C>A (NM_004518.6, NM_172106.3, NM_172108.5 and 1 more transcripts).
Identifiers: ClinVar variation 205856 (VCV000205856.1), dbSNP rs796052611, ClinGen allele CA315334.

ClinVar aggregate classification (germline): Likely benign (1 of 4 stars; one submission).

Allele frequency attached by ClinVar (database versions not stated): TOPMed below 0.00001.
gnomAD v4.1: 2 of 1,491,368 alleles (0.00013%); highest among the groups gnomAD compares: Non-Finnish European, 0.00018%; no homozygotes.

Submission:

GeneDx
Classification: Likely benign. Last evaluated: 2012-08-10. Review status: criteria provided, single submitter. Criteria: GeneDx Variant Classification (06012015). Collection method: clinical testing. Allele origin: germline. Affected: yes.
Comment: This variant is considered likely benign or benign based on one or more of the following criteria: it is a conservative change, it occurs at a poorly conserved position in the protein, it is predicted to be benign by multiple in silico algorithms, and/or has population frequency not consistent with disease.